The following is an entry in ClinVar:

NM_001440.4(EXTL3):c.1405C>A (p.Gln469Lys)

Gene: EXTL3 (exostosin like glycosyltransferase 3; plus strand). Cytogenetic location: 8p21.1.
Variant type: single nucleotide variant.
Coding change: c.1405C>A on transcript NM_001440.4 (MANE Select); coding-DNA position 1405, C replaced by A.
Protein change: p.Gln469Lys; replaces glutamine 469 with lysine.
Molecular consequence: missense variant.
Genome position (GRCh38, 1-based): chr8:28,717,464, C>A. VCF-style: chr8-28717464-C-A. GRCh37 (hg19) VCF-style: chr8-28574981-C-A.
Other names: short protein forms Q469K.
Identifiers: ClinVar variation 1954228 (VCV001954228.3), dbSNP rs2486628213, ClinGen allele CA370859452.
Genomic context (GRCh38, chr8:28,717,464, plus strand): 5'-ACACGGCTCTTCGAAGCCCTGGAAGTCGGTGCCGTCCCGGTGGTGCTGGGGGAGCAGGTC[C>A]AGCTTCCCTACCAGGACATGCTGCAGTGGAACGAGGCGGCCCTGGTGGTGCCAAAGCCTC-3'
Protein context (NP_001431.1, residues 459-479): AVPVVLGEQV[Gln469Lys]LPYQDMLQWN

ClinVar aggregate classification (germline): Uncertain significance (1 of 4 stars; one submission).

Submission:

Labcorp Genetics (formerly Invitae), Labcorp
Classification: Uncertain significance. Last evaluated: 2022-03-12. Review status: criteria provided, single submitter. Criteria: Invitae Variant Classification Sherloc (09022015). Collection method: clinical testing. Allele origin: germline.
Comment: In summary, the available evidence is currently insufficient to determine the role of this variant in disease. Therefore, it has been classified as a Variant of Uncertain Significance. Algorithms developed to predict the effect of missense changes on protein structure and function (SIFT, PolyPhen-2, Align-GVGD) all suggest that this variant is likely to be tolerated. This variant has not been reported in the literature in individuals affected with EXTL3-related conditions. This variant is not present in population databases (gnomAD no frequency). This sequence change replaces glutamine, which is neutral and polar, with lysine, which is basic and polar, at codon 469 of the EXTL3 protein (p.Gln469Lys).